The following is an entry in ClinVar:

NM_000388.4(CASR):c.1561C>T (p.Leu521Phe)

Gene: CASR (calcium sensing receptor; plus strand). Cytogenetic location: 3q21.1.
Variant type: single nucleotide variant.
Coding change: c.1561C>T on transcript NM_000388.4 (MANE Select); coding-DNA position 1561, C replaced by T.
Protein change: p.Leu521Phe; replaces leucine 521 with phenylalanine.
Molecular consequence: missense variant.
Genome position (GRCh38, 1-based): chr3:122,275,995, C>T. VCF-style: chr3-122275995-C-T. GRCh37 (hg19) VCF-style: chr3-121994842-C-T.
Other names: c.1561C>T, p.Leu521Phe (NM_001178065.2); short protein forms L521F.
Identifiers: ClinVar variation 2042736 (VCV002042736.4), dbSNP rs2473258376, ClinGen allele CA354155434.

ClinVar aggregate classification (germline): Uncertain significance (1 of 4 stars; one submission).

Conditions:
Autosomal dominant hypocalcemia 1 (HYPOC1). Also called: HYPOCALCEMIA, FAMILIAL. Identifiers: MedGen C3715128, MONDO:0011013, OMIM 601198.
Familial hypocalciuric hypercalcemia (FHH). Also called: Familial benign hypercalcemia. Identifiers: Orphanet 405, MedGen C1809471, MONDO:0018458.

Submission:

Labcorp Genetics (formerly Invitae), Labcorp
Classification: Uncertain significance for Familial hypocalciuric hypercalcemia; Autosomal dominant hypocalcemia 1. Last evaluated: 2021-12-14. Review status: criteria provided, single submitter. Criteria: Invitae Variant Classification Sherloc (09022015). Collection method: clinical testing. Allele origin: germline.
Comment: This variant has not been reported in the literature in individuals affected with CASR-related conditions. This sequence change replaces leucine, which is neutral and non-polar, with phenylalanine, which is neutral and non-polar, at codon 521 of the CASR protein (p.Leu521Phe). This variant is not present in population databases (gnomAD no frequency). In summary, the available evidence is currently insufficient to determine the role of this variant in disease. Therefore, it has been classified as a Variant of Uncertain Significance. Algorithms developed to predict the effect of missense changes on protein structure and function are either unavailable or do not agree on the potential impact of this missense change (SIFT: "Deleterious"; PolyPhen-2: "Probably Damaging"; Align-GVGD: "Class C15").